The following is an entry in ClinVar:

ClinVar aggregate classification (germline): Conflicting classifications of pathogenicity. Review status: criteria provided, conflicting classifications (1 of 4 stars). 2 submissions from 2 submitters: Uncertain significance (1); Likely benign (1). Last evaluated 2026-01-26.

Conditions:
Inborn genetic diseases. Identifiers: MedGen C0950123, MeSH D030342.
Koolen-de Vries syndrome (KDVS). Identifiers: Orphanet 96169, MedGen C1864871, MONDO:0012496, OMIM 610443.

Allele frequency attached by ClinVar (database versions not stated): gnomAD 0.00001; TOPMed 0.00001; ExAC 0.00002; gnomAD exomes 0.00002.
gnomAD v4.1: 28 of 1,613,852 alleles (0.0017%); highest among the groups gnomAD compares: African/African-American, 0.0027%; no homozygotes.

Submissions (2):

Labcorp Genetics (formerly Invitae), Labcorp
Classification: Likely benign for Koolen-de Vries syndrome. Last evaluated: 2026-01-26. Review status: criteria provided, single submitter. Criteria: Invitae Variant Classification Sherloc (09022015). Collection method: clinical testing. Allele origin: germline.

Ambry Genetics
Classification: Uncertain significance for Inborn genetic diseases. Last evaluated: 2025-09-25. Review status: criteria provided, single submitter. Criteria: Ambry Variant Classification Scheme 2023. Collection method: clinical testing. Allele origin: germline.
Comment: The c.2984C>T (p.P995L) alteration is located in exon 14 (coding exon 13) of the KANSL1 gene. This alteration results from a C to T substitution at nucleotide position 2984, causing the proline (P) at amino acid position 995 to be replaced by a leucine (L). Based on data from gnomAD, the T allele has an overall frequency of 0.002% (4/250780) total alleles studied. The highest observed frequency was 0.006% (1/16244) of African alleles. Based on insufficient or conflicting evidence, the clinical significance of this alteration remains unclear.

NM_015443.4(KANSL1):c.2984C>T (p.Pro995Leu)

Gene: KANSL1 (KAT8 regulatory NSL complex subunit 1). Cytogenetic location: 17q21.31.
Variant type: single nucleotide variant.
Coding change: c.2984C>T on transcript NM_015443.4 (MANE Select); coding-DNA position 2984, C replaced by T.
Protein change: p.Pro995Leu; replaces proline 995 with leucine.
Molecular consequence: missense variant.
Genome position (GRCh38, 1-based): chr17:46,032,153, G>A on the plus strand (C>T on the coding strand, the complement: KANSL1 is on the minus strand). VCF-style: chr17-46032153-G-A. GRCh37 (hg19) VCF-style: chr17-44109519-G-A.
Other names: c.2981C>T, p.Pro994Leu (NM_001193465.2); c.2984C>T, p.Pro995Leu (NM_001193466.2, NM_001379198.1); short protein forms P995L, P994L.
Identifiers: ClinVar variation 468406 (VCV000468406.9), dbSNP rs761819132, ClinGen allele CA8618409.